The following is an entry in ClinVar:

ClinVar aggregate classification (germline): Uncertain significance (1 of 4 stars; one submission).

Submission:

Ambry Genetics
Classification: Uncertain significance. Last evaluated: 2024-12-30. Review status: criteria provided, single submitter. Criteria: Ambry Variant Classification Scheme 2023. Collection method: clinical testing. Allele origin: germline.
Comment: The p.S18F variant (also known as c.53C>T), located in coding exon 1 of the CDK12 gene, results from a C to T substitution at nucleotide position 53. The serine at codon 18 is replaced by phenylalanine, an amino acid with highly dissimilar properties. This amino acid position is conserved. In addition, this alteration is predicted to be tolerated by in silico analysis. Based on the available evidence, the clinical significance of this variant remains unclear.

NM_016507.4(CDK12):c.53C>T (p.Ser18Phe)

Genes: CDK12 (cyclin dependent kinase 12; plus strand), LOC126862553 (CDK7 strongly-dependent group 2 enhancer GRCh37_chr17:37618166-37619365; plus strand). Cytogenetic location: 17q12.
Variant type: single nucleotide variant.
Coding change: c.53C>T on transcript NM_016507.4 (MANE Select); coding-DNA position 53, C replaced by T.
Protein change: p.Ser18Phe; replaces serine 18 with phenylalanine.
Molecular consequence: missense variant.
Genome position (GRCh38, 1-based): chr17:39,462,124, C>T. VCF-style: chr17-39462124-C-T. GRCh37 (hg19) VCF-style: chr17-37618377-C-T.
Other names: c.53C>T, p.Ser18Phe (NM_015083.4); short protein forms S18F.
Identifiers: ClinVar variation 3830428 (VCV003830428.1).